The following is an entry in ClinVar:

ClinVar aggregate classification (germline): Likely benign (1 of 4 stars; one submission).

Allele frequency attached by ClinVar (database versions not stated): 1000 Genomes Project 0.00240; 1000 Genomes Project 30x 0.00250.

Submission:

CeGaT Center for Human Genetics Tuebingen
Classification: Likely benign. Last evaluated: 2023-06-01. Review status: criteria provided, single submitter. Criteria: CeGaT Center For Human Genetics Tuebingen Variant Classification Criteria Version 2. Collection method: clinical testing. Allele origin: germline. Affected: yes. Observed: 4 variant alleles.
Comment: SUCLA2: BS2

NM_003850.3(SUCLA2):c.272-2559G>C

Gene: SUCLA2 (succinate-CoA ligase ADP-forming subunit beta; minus strand). Cytogenetic location: 13q14.2.
Variant type: single nucleotide variant.
Coding change: c.272-2559G>C on transcript NM_003850.3 (MANE Select); 2559 bases into the intron before coding-DNA position 272, G replaced by C.
Molecular consequence: intron variant.
Genome position (GRCh38, 1-based): chr13:47,991,540, C>G on the plus strand (G>C on the coding strand, the complement: SUCLA2 is on the minus strand). VCF-style: chr13-47991540-C-G. GRCh37 (hg19) VCF-style: chr13-48565675-C-G.
Identifiers: ClinVar variation 2570863 (VCV002570863.27), dbSNP rs117322739, ClinGen allele CA249278540.